The following is an entry in ClinVar:

NM_024809.5(TCTN2):c.2047T>G (p.Leu683Val)

Gene: TCTN2 (tectonic family member 2; plus strand). Cytogenetic location: 12q24.31.
Variant type: single nucleotide variant.
Coding change: c.2047T>G on transcript NM_024809.5 (MANE Select); coding-DNA position 2047, T replaced by G.
Protein change: p.Leu683Val; replaces leucine 683 with valine.
Molecular consequence: missense variant.
Genome position (GRCh38, 1-based): chr12:123,707,666, T>G. VCF-style: chr12-123707666-T-G. GRCh37 (hg19) VCF-style: chr12-124192213-T-G.
Other names: c.2044T>G, p.Leu682Val (NM_001143850.3); c.1912T>G, p.Leu638Val (NM_001410989.1); short protein forms L638V, L683V, L682V.
Identifiers: ClinVar variation 2087142 (VCV002087142.4), dbSNP rs2541813229, ClinGen allele CA387149713.
Genomic context (GRCh38, chr12:123,707,666, plus strand): 5'-GAGCTGCATTCTCAGTGTGTTGCTAAGGGCTTACTGTTGCTGTTGTTCCTCACATTGGCC[T>G]TGTTCCTCAGCAACCCCTGGACCAGAATATGCAAAGCCTATAGTTAGACAACCACCTGGC-3'
Protein context (NP_079085.2, residues 673-693): LLLLLFLTLA[Leu683Val]FLSNPWTRIC

ClinVar aggregate classification (germline): Uncertain significance (1 of 4 stars; one submission).

Conditions:
Joubert syndrome. Also called: CEREBELLOPARENCHYMAL DISORDER IV; JOUBERT-BOLTSHAUSER SYNDROME; Familial aplasia of the vermis. Identifiers: Orphanet 475, MedGen C5979921, MONDO:0018772.
Meckel-Gruber syndrome. Also called: DYSENCEPHALIA SPLANCHNOCYSTICA; GRUBER SYNDROME; Dysencephalia splachnocystica. Identifiers: Orphanet 564, MedGen C0265215, MONDO:0018921.

Allele frequency attached by ClinVar (database versions not stated): gnomAD exomes below 0.00001.
gnomAD v4.1: 1 of 1,614,200 alleles (0.000062%); highest among the groups gnomAD compares: Non-Finnish European, 0.000085%; no homozygotes.

Submission:

Labcorp Genetics (formerly Invitae), Labcorp
Classification: Uncertain significance for Joubert syndrome; Meckel-Gruber syndrome. Last evaluated: 2022-08-09. Review status: criteria provided, single submitter. Criteria: Invitae Variant Classification Sherloc (09022015). Collection method: clinical testing. Allele origin: germline.
Comment: This variant is not present in population databases (gnomAD no frequency). This variant has not been reported in the literature in individuals affected with TCTN2-related conditions. Algorithms developed to predict the effect of missense changes on protein structure and function output the following: SIFT: "Tolerated"; PolyPhen-2: "Benign"; Align-GVGD: "Class C0". The valine amino acid residue is found in multiple mammalian species, which suggests that this missense change does not adversely affect protein function. Algorithms developed to predict the effect of sequence changes on RNA splicing suggest that this variant may create or strengthen a splice site. In summary, the available evidence is currently insufficient to determine the role of this variant in disease. Therefore, it has been classified as a Variant of Uncertain Significance. This sequence change replaces leucine, which is neutral and non-polar, with valine, which is neutral and non-polar, at codon 683 of the TCTN2 protein (p.Leu683Val).